The following is an entry in ClinVar:

NM_015175.3(NBEAL2):c.4399C>T (p.Arg1467Trp)

Gene: NBEAL2 (neurobeachin like 2; plus strand). Cytogenetic location: 3p21.31.
Variant type: single nucleotide variant.
Coding change: c.4399C>T on transcript NM_015175.3 (MANE Select); coding-DNA position 4399, C replaced by T.
Protein change: p.Arg1467Trp; replaces arginine 1467 with tryptophan.
Molecular consequence: missense variant.
Genome position (GRCh38, 1-based): chr3:47,001,094, C>T. VCF-style: chr3-47001094-C-T. GRCh37 (hg19) VCF-style: chr3-47042584-C-T.
Other names: c.4297C>T, p.Arg1433Trp (NM_001365116.2); short protein forms R1433W, R1467W.
Identifiers: ClinVar variation 3063656 (VCV003063656.1), dbSNP rs374996552, ClinGen allele CA2361232.

ClinVar aggregate classification (germline): Uncertain significance (1 of 4 stars; one submission).

Allele frequency attached by ClinVar (database versions not stated): TOPMed 0.00002; ExAC 0.00003; gnomAD 0.00003; ESP Exome Variant Server 0.00008.
gnomAD v4.1: 93 of 1,612,180 alleles (0.0058%); highest among the groups gnomAD compares: Non-Finnish European, 0.007%; no homozygotes.

Submission:

Women's Health and Genetics/Laboratory Corporation of America, LabCorp
Classification: Uncertain significance. Last evaluated: 2024-01-23. Review status: criteria provided, single submitter. Criteria: LabCorp Variant Classification Summary - May 2015. Collection method: clinical testing. Allele origin: germline.
Comment: Variant summary: NBEAL2 c.4399C>T (p.Arg1467Trp) results in a non-conservative amino acid change in the encoded protein sequence. Four of five in-silico tools predict a damaging effect of the variant on protein function. The variant allele was found at a frequency of 3.3e-05 in 244892 control chromosomes. The available data on variant occurrences in the general population are insufficient to allow any conclusion about variant significance. To our knowledge, no occurrence of c.4399C>T in individuals affected with Gray Platelet Syndrome and no experimental evidence demonstrating its impact on protein function have been reported. No submitters have cited clinical-significance assessments for this variant to ClinVar. Based on the evidence outlined above, the variant was classified as uncertain significance.